The following is an entry in ClinVar:

ClinVar aggregate classification (germline): Uncertain significance (0 of 4 stars; one submission).

Conditions:
NPHP4-related disorder. Also called: NPHP4-related condition; NPHP4-related disorders. Identifiers: MedGen CN239384.

Submission:

PreventionGenetics, part of Exact Sciences
Classification: Uncertain significance for NPHP4-related condition. Last evaluated: 2023-11-21. Review status: no assertion criteria provided. Collection method: clinical testing. Allele origin: germline.
Comment: The NPHP4 c.3100A>C variant is predicted to result in the amino acid substitution p.Thr1034Pro. To our knowledge, this variant has not been reported in the literature or in a large population database, indicating this variant is rare. At this time, the clinical significance of this variant is uncertain due to the absence of conclusive functional and genetic evidence.

NM_015102.5(NPHP4):c.3100A>C (p.Thr1034Pro)

Gene: NPHP4 (nephrocystin 4; minus strand). Cytogenetic location: 1p36.31.
Variant type: single nucleotide variant.
Coding change: c.3100A>C on transcript NM_015102.5 (MANE Select); coding-DNA position 3100, A replaced by C.
Protein change: p.Thr1034Pro; replaces threonine 1034 with proline.
Molecular consequence: missense variant. On other transcripts: non-coding transcript variant (1).
Genome position (GRCh38, 1-based): chr1:5,874,602, T>G on the plus strand (A>C on the coding strand, the complement: NPHP4 is on the minus strand). VCF-style: chr1-5874602-T-G. GRCh37 (hg19) VCF-style: chr1-5934662-T-G.
Other names: c.1561A>C, p.Thr521Pro (NM_001291593.2); c.1564A>C, p.Thr522Pro (NM_001291594.2); short protein forms T1034P, T521P, T522P.
Identifiers: ClinVar variation 3030338 (VCV003030338.2), dbSNP rs2523120543, ClinGen allele CA338055813.